The following is an entry in ClinVar:

ClinVar aggregate classification (germline): Uncertain significance (1 of 4 stars; one submission).

Conditions:
Joubert syndrome. Also called: CEREBELLOPARENCHYMAL DISORDER IV; JOUBERT-BOLTSHAUSER SYNDROME; Familial aplasia of the vermis. Identifiers: Orphanet 475, MedGen C5979921, MONDO:0018772.
Orofaciodigital syndrome I (OFD1). Also called: OFDS I; Papillon-Leage and Psaume Syndrome; Oral-Facial-Digital Syndrome Type I. Identifiers: Orphanet 2750, MedGen C1510460, MONDO:0010702, OMIM 311200.

Submission:

Labcorp Genetics (formerly Invitae), Labcorp
Classification: Uncertain significance for Orofaciodigital syndrome I; Joubert syndrome. Last evaluated: 2021-05-21. Review status: criteria provided, single submitter. Criteria: Invitae Variant Classification Sherloc (09022015). Collection method: clinical testing. Allele origin: germline.
Comment: In summary, the available evidence is currently insufficient to determine the role of this variant in disease. Therefore, it has been classified as a Variant of Uncertain Significance. Algorithms developed to predict the effect of missense changes on protein structure and function are either unavailable or do not agree on the potential impact of this missense change (SIFT: "Deleterious"; PolyPhen-2: "Probably Damaging"; Align-GVGD: "Class C0"). This variant has not been reported in the literature in individuals with OFD1-related conditions. This variant is not present in population databases (ExAC no frequency). This sequence change replaces leucine with valine at codon 546 of the OFD1 protein (p.Leu546Val). The leucine residue is moderately conserved and there is a small physicochemical difference between leucine and valine.

NM_003611.3(OFD1):c.1636C>G (p.Leu546Val)

Gene: OFD1 (OFD1 centriole and centriolar satellite protein; plus strand). Cytogenetic location: Xp22.2.
Variant type: single nucleotide variant.
Coding change: c.1636C>G on transcript NM_003611.3 (MANE Select); coding-DNA position 1636, C replaced by G.
Protein change: p.Leu546Val; replaces leucine 546 with valine.
Molecular consequence: missense variant.
Genome position (GRCh38, 1-based): chrX:13,758,430, C>G. VCF-style: chrX-13758430-C-G. GRCh37 (hg19) VCF-style: chrX-13776549-C-G.
Other names: c.1516C>G, p.Leu506Val (NM_001330209.2); c.1216C>G, p.Leu406Val (NM_001330210.2); short protein forms L406V, L546V, L506V.
Identifiers: ClinVar variation 1432769 (VCV001432769.8), dbSNP rs2147036654, ClinGen allele CA412343474.